The following is an entry in ClinVar:

NM_001110556.2(FLNA):c.1350G>A (p.Met450Ile)

Gene: FLNA (filamin A; minus strand). Cytogenetic location: Xq28.
Variant type: single nucleotide variant.
Coding change: c.1350G>A on transcript NM_001110556.2 (MANE Select); coding-DNA position 1350, G replaced by A.
Protein change: p.Met450Ile; replaces methionine 450 with isoleucine.
Molecular consequence: missense variant.
Genome position (GRCh38, 1-based): chrX:154,366,103, C>T on the plus strand (G>A on the coding strand, the complement: FLNA is on the minus strand). VCF-style: chrX-154366103-C-T. GRCh37 (hg19) VCF-style: chrX-153594471-C-T.
Other names: c.1350G>A, p.Met450Ile (NM_001456.4); short protein forms M450I.
Identifiers: ClinVar variation 4789602 (VCV004789602.1).

ClinVar aggregate classification (germline): Uncertain significance (1 of 4 stars; one submission).

Conditions:
Heterotopia, periventricular, X-linked dominant (PVNH1). Also called: PERIVENTRICULAR NODULAR HETEROTOPIA 4; HETEROTOPIA, PERIVENTRICULAR, 1; PERIVENTRICULAR NODULAR HETEROTOPIA 1; X-linked periventricular heterotopia. Identifiers: Orphanet 2149, Orphanet 82004, MedGen C1848213, MONDO:0010233, OMIM 300049.
Oto-palato-digital syndrome, type II (OPD2). Also called: Otopalatodigital Syndrome, Type II; FACIOPALATOOSSEOUS SYNDROME; OPD II SYNDROME; Otopalatodigital Syndrome Type 2 (FLNA-OPD2). Identifiers: Orphanet 669, Orphanet 90652, MedGen C1844696, MONDO:0010571, OMIM 304120.
Melnick-Needles syndrome (MNS). Also called: MELNICK-NEEDLES OSTEODYSPLASTY; OSTEODYSPLASTY OF MELNICK AND NEEDLES; Melnick-Needles Syndrome (FLNA-MNS). Identifiers: Orphanet 2484, MedGen C0025237, MONDO:0010650, OMIM 309350.
Frontometaphyseal dysplasia (FMD1). Identifiers: Orphanet 1826, MedGen C0265293, MONDO:0015942.

Submission:

Labcorp Genetics (formerly Invitae), Labcorp
Classification: Uncertain significance for Oto-palato-digital syndrome, type II; Heterotopia, periventricular, X-linked dominant; Frontometaphyseal dysplasia; Melnick-Needles syndrome. Last evaluated: 2025-10-01. Review status: criteria provided, single submitter. Criteria: Invitae Variant Classification Sherloc (09022015). Collection method: clinical testing. Allele origin: germline.
Comment: This sequence change replaces methionine, which is neutral and non-polar, with isoleucine, which is neutral and non-polar, at codon 450 of the FLNA protein (p.Met450Ile). This variant is not present in population databases (gnomAD no frequency). This variant has not been reported in the literature in individuals affected with FLNA-related conditions. Invitae Evidence Modeling of protein sequence and biophysical properties (such as structural, functional, and spatial information, amino acid conservation, physicochemical variation, residue mobility, and thermodynamic stability) indicates that this missense variant is not expected to disrupt FLNA protein function with a negative predictive value of 95%. In summary, the available evidence is currently insufficient to determine the role of this variant in disease. Therefore, it has been classified as a Variant of Uncertain Significance.